The following is an entry in ClinVar:

NM_144508.5(KNL1):c.5064G>C (p.Pro1688=)

Gene: KNL1 (kinetochore scaffold 1; plus strand). Cytogenetic location: 15q15.1.
Variant type: single nucleotide variant.
Coding change: c.5064G>C on transcript NM_144508.5 (MANE Select); coding-DNA position 5064, G replaced by C.
Protein change: p.Pro1688=; no amino-acid change (proline 1688 retained).
Molecular consequence: synonymous variant.
Genome position (GRCh38, 1-based): chr15:40,625,328, G>C. VCF-style: chr15-40625328-G-C. GRCh37 (hg19) VCF-style: chr15-40917526-G-C.
Other names: c.5142G>C, p.Pro1714= (NM_170589.5).
Identifiers: ClinVar variation 739413 (VCV000739413.30), dbSNP rs369221746, ClinGen allele CA7483285.

ClinVar aggregate classification (germline): Conflicting classifications of pathogenicity. Review status: criteria provided, conflicting classifications (1 of 4 stars). 6 submissions from 6 submitters: Uncertain significance (1); Likely benign (4). 1 of the submissions does not count toward it. Last evaluated 2025-09-01.

Conditions:
Microcephaly 4, primary, autosomal recessive. Identifiers: Orphanet 2512, MedGen C1858516, MONDO:0011437, OMIM 604321.
KNL1-related disorder. Also called: KNL1-related condition.

Allele frequency attached by ClinVar (database versions not stated): ESP Exome Variant Server 0.00025; gnomAD 0.00029; TOPMed 0.00038; ExAC 0.00041; gnomAD exomes 0.00044.
gnomAD v4.1: 514 of 1,613,890 alleles (0.032%); highest among the groups gnomAD compares: Admixed American, 0.092%; no homozygotes.

Submissions (6):

CeGaT Center for Human Genetics Tuebingen
Classification: Likely benign. Last evaluated: 2025-09-01. Review status: criteria provided, single submitter. Criteria: CeGaT Center For Human Genetics Tuebingen Variant Classification Criteria Version 2. Collection method: clinical testing. Allele origin: germline. Affected: yes. Observed: 2 variant alleles.
Comment: KNL1: BP4, BP7

Blueprint Genetics
Classification: Likely benign. Last evaluated: 2024-11-23. Review status: criteria provided, single submitter. Criteria: ACMG Guidelines, 2015. Collection method: clinical testing. Allele origin: germline.

Labcorp Genetics (formerly Invitae), Labcorp
Classification: Likely benign. Last evaluated: 2019-12-31. Review status: criteria provided, single submitter. Criteria: Invitae Variant Classification Sherloc (09022015). Collection method: clinical testing. Allele origin: germline.

GeneDx
Classification: Likely benign. Last evaluated: 2019-10-10. Review status: criteria provided, single submitter. Criteria: GeneDx Variant Classification Process June 2021. Collection method: clinical testing. Allele origin: germline. Affected: yes.

Illumina Laboratory Services, Illumina
Classification: Uncertain significance for Microcephaly 4, primary, autosomal recessive. Last evaluated: 2018-01-12. Review status: criteria provided, single submitter. Criteria: ICSL Variant Classification Criteria 13 December 2019. Collection method: clinical testing. Allele origin: germline.

PreventionGenetics, part of Exact Sciences
Classification: Likely benign for KNL1-related condition. Last evaluated: 2019-02-18. Review status: no assertion criteria provided. Collection method: clinical testing. Allele origin: germline. Not counted in ClinVar's aggregate classification.
Comment: This variant is classified as likely benign based on ACMG/AMP sequence variant interpretation guidelines (Richards et al. 2015 PMID: 25741868, with internal and published modifications).